The following is an entry in ClinVar:

NM_000138.5(FBN1):c.4459+3A>T

Gene: FBN1 (fibrillin 1; minus strand). Cytogenetic location: 15q21.1.
Variant type: single nucleotide variant.
Coding change: c.4459+3A>T on transcript NM_000138.5 (MANE Select); 3 bases into the intron after coding-DNA position 4459, A replaced by T.
Molecular consequence: intron variant.
Genome position (GRCh38, 1-based): chr15:48,470,631, T>A on the plus strand (A>T on the coding strand, the complement: FBN1 is on the minus strand). VCF-style: chr15-48470631-T-A. GRCh37 (hg19) VCF-style: chr15-48762828-T-A.
Identifiers: ClinVar variation 42362 (VCV000042362.10), dbSNP rs397515809, ClinGen allele CA015092.

ClinVar aggregate classification (germline): Uncertain significance. Review status: criteria provided, multiple submitters, no conflicts (2 of 4 stars). 3 submissions from 3 submitters: Uncertain significance (3). Last evaluated 2022-12-14.

Conditions:
Marfan syndrome (MFS). Also called: FBN1-Related Marfan Syndrome; Marfan syndrome, classic; MARFAN SYNDROME, TYPE I; Marfan syndrome type 1; Marfan's syndrome. Identifiers: Orphanet 284963, Orphanet 558, MedGen C0024796, MONDO:0007947, OMIM 154700.
Familial thoracic aortic aneurysm and aortic dissection (TAAD). Also called: Thoracic aortic aneurysms and dissections. Identifiers: Orphanet 91387, MedGen C4707243, MONDO:0019625.

Submissions (3):

Labcorp Genetics (formerly Invitae), Labcorp
Classification: Uncertain significance for Marfan syndrome; Familial thoracic aortic aneurysm and aortic dissection. Last evaluated: 2022-12-14. Review status: criteria provided, single submitter. Criteria: Invitae Variant Classification Sherloc (09022015). Collection method: clinical testing. Allele origin: germline.
Comment: This sequence change falls in intron 36 of the FBN1 gene. It does not directly change the encoded amino acid sequence of the FBN1 protein. It affects a nucleotide within the consensus splice site. This variant is not present in population databases (gnomAD no frequency). This variant has been observed in individual(s) with FBN1-related conditions (PMID: 24793577). ClinVar contains an entry for this variant (Variation ID: 42362). Variants that disrupt the consensus splice site are a relatively common cause of aberrant splicing (PMID: 17576681, 9536098). Algorithms developed to predict the effect of sequence changes on RNA splicing suggest that this variant may disrupt the consensus splice site. In summary, the available evidence is currently insufficient to determine the role of this variant in disease. Therefore, it has been classified as a Variant of Uncertain Significance.

CHEO Genetics Diagnostic Laboratory, Children's Hospital of Eastern Ontario
Classification: Uncertain significance for Familial thoracic aortic aneurysm and aortic dissection. Last evaluated: 2020-06-12. Review status: criteria provided, single submitter. Criteria: ACMG Guidelines, 2015. Collection method: clinical testing. Allele origin: germline.

Laboratory for Molecular Medicine, Mass General Brigham Personalized Medicine
Classification: Uncertain significance. Last evaluated: 2008-06-13. Review status: criteria provided, single submitter. Criteria: LMM Criteria. Collection method: clinical testing. Allele origin: germline. Observed: 1 variant allele.

Literature cited by the submitters: PubMed 24793577 (cited by Labcorp Genetics (formerly Invitae), Labcorp); PubMed 17576681 (cited by Labcorp Genetics (formerly Invitae), Labcorp); PubMed 9536098 (cited by Labcorp Genetics (formerly Invitae), Labcorp).